The following is an entry in ClinVar:

NM_003055.3(SLC18A3):c.1344T>A (p.Phe448Leu)

Genes: CHAT (choline O-acetyltransferase; plus strand), SLC18A3 (solute carrier family 18 member A3; plus strand). Cytogenetic location: 10q11.23.
Variant type: single nucleotide variant.
Coding change: c.1344T>A on transcript NM_003055.3 (MANE Select); coding-DNA position 1344, T replaced by A.
Protein change: p.Phe448Leu; replaces phenylalanine 448 with leucine.
Molecular consequence: missense variant. On other transcripts: intron variant (1).
Genome position (GRCh38, 1-based): chr10:49,612,084, T>A. VCF-style: chr10-49612084-T-A. GRCh37 (hg19) VCF-style: chr10-50820130-T-A.
Other names: c.-69+2885T>A (NM_020984.4); short protein forms F448L.
Identifiers: ClinVar variation 2104563 (VCV002104563.4), dbSNP rs1590545734, ClinGen allele CA376723047.

ClinVar aggregate classification (germline): Uncertain significance (1 of 4 stars; one submission).

Allele frequency attached by ClinVar (database versions not stated): gnomAD exomes below 0.00001.
gnomAD v4.1: 4 of 1,613,598 alleles (0.00025%); highest among the groups gnomAD compares: Non-Finnish European, 0.00034%; no homozygotes.

Submission:

Labcorp Genetics (formerly Invitae), Labcorp
Classification: Uncertain significance. Last evaluated: 2022-02-28. Review status: criteria provided, single submitter. Criteria: Invitae Variant Classification Sherloc (09022015). Collection method: clinical testing. Allele origin: germline.
Comment: In summary, the available evidence is currently insufficient to determine the role of this variant in disease. Therefore, it has been classified as a Variant of Uncertain Significance. Algorithms developed to predict the effect of missense changes on protein structure and function are either unavailable or do not agree on the potential impact of this missense change (SIFT: "Deleterious"; PolyPhen-2: "Probably Damaging"; Align-GVGD: "Class C15"). This variant has not been reported in the literature in individuals affected with SLC18A3-related conditions. This variant is not present in population databases (gnomAD no frequency). This sequence change replaces phenylalanine, which is neutral and non-polar, with leucine, which is neutral and non-polar, at codon 448 of the SLC18A3 protein (p.Phe448Leu).